The following is an entry in ClinVar:

NM_207346.3(TSEN54):c.753G>T (p.Met251Ile)

Gene: TSEN54 (tRNA splicing endonuclease subunit 54; plus strand). Cytogenetic location: 17q25.1.
Variant type: single nucleotide variant.
Coding change: c.753G>T on transcript NM_207346.3 (MANE Select); coding-DNA position 753, G replaced by T.
Protein change: p.Met251Ile; replaces methionine 251 with isoleucine.
Molecular consequence: missense variant.
Genome position (GRCh38, 1-based): chr17:75,521,834, G>T. VCF-style: chr17-75521834-G-T. GRCh37 (hg19) VCF-style: chr17-73517915-G-T.
Other names: short protein forms M251I.
Identifiers: ClinVar variation 1447105 (VCV001447105.6), dbSNP rs375386151, ClinGen allele CA8764260.
Genomic context (GRCh38, chr17:75,521,834, plus strand): 5'-ACCTCCCTGCAGCCAGCCCAGCCAATGCCCAGAGGAGAAACCCCAGGAGTCAAGCCCCAT[G>T]AAGGGCCCAGGGGGCCCCTTTCAGCTTCTGGGGTCCCTGGGCCCCAGCCCTGGCCCGGCC-3'
Protein context (NP_997229.2, residues 241-261): PEEKPQESSP[Met251Ile]KGPGGPFQLL

ClinVar aggregate classification (germline): Uncertain significance. Review status: criteria provided, multiple submitters, no conflicts (2 of 4 stars). 2 submissions from 2 submitters: Uncertain significance (2). Last evaluated 2021-12-29.

Allele frequency attached by ClinVar (database versions not stated): gnomAD exomes 0.00004 and 0.00011; ESP Exome Variant Server 0.00008; ExAC 0.00009; gnomAD 0.00011 and 0.00012; TOPMed 0.00017.
gnomAD v4.1: 87 of 1,612,620 alleles (0.0054%); highest among the groups gnomAD compares: Admixed American, 0.04%; no homozygotes.

Submissions (2):

Labcorp Genetics (formerly Invitae), Labcorp
Classification: Uncertain significance. Last evaluated: 2021-12-29. Review status: criteria provided, single submitter. Criteria: Invitae Variant Classification Sherloc (09022015). Collection method: clinical testing. Allele origin: germline.
Comment: This sequence change replaces methionine, which is neutral and non-polar, with isoleucine, which is neutral and non-polar, at codon 251 of the TSEN54 protein (p.Met251Ile). This variant is present in population databases (rs375386151, gnomAD 0.06%). This variant has not been reported in the literature in individuals affected with TSEN54-related conditions. Algorithms developed to predict the effect of missense changes on protein structure and function output the following: SIFT: "Tolerated"; PolyPhen-2: "Benign"; Align-GVGD: "Class C0". The isoleucine amino acid residue is found in multiple mammalian species, which suggests that this missense change does not adversely affect protein function. In summary, the available evidence is currently insufficient to determine the role of this variant in disease. Therefore, it has been classified as a Variant of Uncertain Significance.

Breakthrough Genomics
Classification: Uncertain significance. Review status: criteria provided, single submitter. Criteria: ACMG Guidelines, 2015. Collection method: not provided. Allele origin: germline. Inheritance: Autosomal recessive inheritance. Affected: yes.